The following is an entry in ClinVar:

NM_006389.5(HYOU1):c.845G>A (p.Arg282His)

Gene: HYOU1 (hypoxia up-regulated 1; minus strand). Cytogenetic location: 11q23.3.
Variant type: single nucleotide variant.
Coding change: c.845G>A on transcript NM_006389.5 (MANE Select); coding-DNA position 845, G replaced by A.
Protein change: p.Arg282His; replaces arginine 282 with histidine.
Molecular consequence: missense variant.
Genome position (GRCh38, 1-based): chr11:119,052,779, C>T on the plus strand (G>A on the coding strand, the complement: HYOU1 is on the minus strand). VCF-style: chr11-119052779-C-T. GRCh37 (hg19) VCF-style: chr11-118923491-C-T.
Other names: c.845G>A, p.Arg282His (NM_001130991.3, NM_001411041.1); short protein forms R282H.
Identifiers: ClinVar variation 1912500 (VCV001912500.5), dbSNP rs782817342, ClinGen allele CA229623697.

ClinVar aggregate classification (germline): Uncertain significance (1 of 4 stars; one submission).

Allele frequency attached by ClinVar (database versions not stated): gnomAD 0.00001; TOPMed 0.00002; gnomAD exomes 0.00003.

Submission:

Labcorp Genetics (formerly Invitae), Labcorp
Classification: Uncertain significance. Last evaluated: 2026-01-24. Review status: criteria provided, single submitter. Criteria: Invitae Variant Classification Sherloc (09022015). Collection method: clinical testing. Allele origin: germline.
Comment: This sequence change replaces arginine, which is basic and polar, with histidine, which is basic and polar, at codon 282 of the HYOU1 protein (p.Arg282His). This variant is present in population databases (rs782817342, gnomAD 0.006%). This variant has not been reported in the literature in individuals affected with HYOU1-related conditions. ClinVar contains an entry for this variant (Variation ID: 1912500). An algorithm developed to predict the effect of missense changes on protein structure and function outputs the following: PolyPhen-2: "Benign". The histidine amino acid residue is found in multiple mammalian species, which suggests that this missense change does not adversely affect protein function. In summary, the available evidence is currently insufficient to determine the role of this variant in disease. Therefore, it has been classified as a Variant of Uncertain Significance.